The following is an entry in ClinVar:

NM_007315.4(STAT1):c.693_696del (p.Ile232fs)

Gene: STAT1 (signal transducer and activator of transcription 1; minus strand). Cytogenetic location: 2q32.2.
Variant type: Deletion.
Coding change: c.693_696del on transcript NM_007315.4 (MANE Select); coding-DNA positions 693 to 696, 4 bases deleted (GATT; older notation c.693_696delGATT).
Protein change: p.Ile232fs; shifts the reading frame from isoleucine 232.
Molecular consequence: frameshift variant.
Genome position (GRCh38, 1-based): chr2:190,997,945-190,997,948, AATC deleted on the plus strand (GATT on the coding strand, the reverse complement: STAT1 is on the minus strand); deleting any 4 consecutive bases within chr2:190,997,945-190,997,949 gives the same sequence; the c. name uses the placement nearest the transcript's 3' end. VCF-style (leftmost placement, unchanged base first): chr2-190997944-TAATC-T. GRCh37 (hg19) VCF-style: chr2-191862670-TAATC-T.
Other names: c.693_696del, p.Ile232fs (NM_001384880.1, NM_001384882.1, NM_001384885.1 and 5 more transcripts); c.699_702del, p.Ile234fs (NM_001384881.1, NM_001384884.1); c.594_597del, p.Ile199fs (NM_001384883.1); c.603_606del, p.Ile202fs (NM_001384890.1); c.729_732del, p.Ile244fs (NM_001384891.1); short protein forms I199fs, I202fs, I232fs, I234fs, I244fs.
Identifiers: ClinVar variation 3384050 (VCV003384050.1).

ClinVar aggregate classification (germline): Pathogenic (1 of 4 stars; one submission).

Conditions:
Autoimmune enteropathy and endocrinopathy - susceptibility to chronic infections syndrome. Also called: Immunodeficiency 31C; Immunodeficiency 31C, autosomal dominant. Identifiers: Orphanet 391487, MedGen C3279990, MONDO:0013599, OMIM 614162.

Submission:

Dubai Health Genomic Medicine Center, Dubai Health
Classification: Pathogenic for Immunodeficiency 31C. Last evaluated: 2024-10-04. Review status: criteria provided, single submitter. Criteria: ACMG Guidelines, 2015. Collection method: research. Allele origin: germline. Affected: yes.
Comment: PVS1,PS3,PM2,PP1